The following is an entry in ClinVar:

NM_016816.4(OAS1):c.655-2A>G

Gene: OAS1 (2'-5'-oligoadenylate synthetase 1; plus strand). Cytogenetic location: 12q24.13.
Variant type: single nucleotide variant.
Coding change: c.655-2A>G on transcript NM_016816.4 (MANE Select); the canonical splice acceptor site of the intron before coding-DNA position 655, A replaced by G.
Molecular consequence: splice acceptor variant.
Genome position (GRCh38, 1-based): chr12:112,916,507, A>G. VCF-style: chr12-112916507-A-G. GRCh37 (hg19) VCF-style: chr12-113354312-A-G.
Other names: c.655-2A>G (NM_001320151.2, NM_002534.4, NM_001406022.1 and 1 more transcripts); c.631-2A>G (NM_001406025.1, NM_001406024.1, NM_001406023.1 and 2 more transcripts); c.181-2A>G (NM_001406029.1, NM_001406027.1, NM_001406026.1 and 1 more transcripts).
Identifiers: ClinVar variation 2012162 (VCV002012162.4), dbSNP rs2540972560, ClinGen allele CA386804831.
Genomic context (GRCh38, chr12:112,916,507, plus strand): 5'-AGTGTAGTTTACACAAAAGTTGAGCAAACCAATTTTTTTCTGATTGTTTTTCCTCTTCTC[A>G]GTGTAAGAAGAAGCTTGGGAAGCTGCCACCTCAGTATGCCCTGGAGCTCCTGACGGTCTA-3'

ClinVar aggregate classification (germline): Uncertain significance (1 of 4 stars; one submission).

Submission:

Labcorp Genetics (formerly Invitae), Labcorp
Classification: Uncertain significance. Last evaluated: 2022-06-29. Review status: criteria provided, single submitter. Criteria: Invitae Variant Classification Sherloc (09022015). Collection method: clinical testing. Allele origin: germline.
Comment: In summary, the available evidence is currently insufficient to determine the role of this variant in disease. Therefore, it has been classified as a Variant of Uncertain Significance. Algorithms developed to predict the effect of sequence changes on RNA splicing suggest that this variant may disrupt the consensus splice site. This variant has not been reported in the literature in individuals affected with OAS1-related conditions. This variant is not present in population databases (gnomAD no frequency). This sequence change affects an acceptor splice site in intron 3 of the OAS1 gene. It is expected to disrupt RNA splicing. Variants that disrupt the donor or acceptor splice site typically lead to a loss of protein function (PMID: 16199547), however the current clinical and genetic evidence is not sufficient to establish whether loss-of-function variants in OAS1 cause disease.

Literature cited by the submitters: PubMed 16199547.